The following is an entry in ClinVar:

NM_003238.6(TGFB2):c.663A>T (p.Lys221Asn)

Gene: TGFB2 (transforming growth factor beta 2; plus strand). Cytogenetic location: 1q41.
Variant type: single nucleotide variant.
Coding change: c.663A>T on transcript NM_003238.6 (MANE Select); coding-DNA position 663, A replaced by T.
Protein change: p.Lys221Asn; replaces lysine 221 with asparagine.
Molecular consequence: missense variant. On other transcripts: non-coding transcript variant (2).
Genome position (GRCh38, 1-based): chr1:218,434,357, A>T. VCF-style: chr1-218434357-A-T. GRCh37 (hg19) VCF-style: chr1-218607699-A-T.
Other names: p.K221N:AAA>AAT; c.747A>T, p.Lys249Asn (NM_001135599.4); short protein forms K221N, K249N.
Identifiers: ClinVar variation 213842 (VCV000213842.5), dbSNP rs863223791, ClinGen allele CA320250.

ClinVar aggregate classification (germline): Uncertain significance. Review status: criteria provided, multiple submitters, no conflicts (2 of 4 stars). 2 submissions from 2 submitters: Uncertain significance (2). Last evaluated 2023-11-01.

Conditions:
Loeys-Dietz syndrome 4 (LDS4). Also called: ANEURYSM, AORTIC AND CEREBRAL, WITH ARTERIAL TORTUOSITY AND SKELETAL MANIFESTATIONS; TGFB2-Related Loeys-Dietz Syndrome. Identifiers: MedGen C3553762, MONDO:0013897, OMIM 614816.

Submissions (2):

Labcorp Genetics (formerly Invitae), Labcorp
Classification: Uncertain significance for Loeys-Dietz syndrome 4. Last evaluated: 2023-11-01. Review status: criteria provided, single submitter. Criteria: Invitae Variant Classification Sherloc (09022015). Collection method: clinical testing. Allele origin: germline.
Comment: This sequence change replaces lysine, which is basic and polar, with asparagine, which is neutral and polar, at codon 221 of the TGFB2 protein (p.Lys221Asn). This variant is not present in population databases (gnomAD no frequency). This variant has not been reported in the literature in individuals affected with TGFB2-related conditions. ClinVar contains an entry for this variant (Variation ID: 213842). Advanced modeling of protein sequence and biophysical properties (such as structural, functional, and spatial information, amino acid conservation, physicochemical variation, residue mobility, and thermodynamic stability) performed at Invitae indicates that this missense variant is not expected to disrupt TGFB2 protein function with a negative predictive value of 80%. In summary, the available evidence is currently insufficient to determine the role of this variant in disease. Therefore, it has been classified as a Variant of Uncertain Significance.

GeneDx
Classification: Uncertain significance. Last evaluated: 2015-02-27. Review status: criteria provided, single submitter. Criteria: GeneDx Variant Classification (06012015). Collection method: clinical testing. Allele origin: germline. Affected: yes.
Comment: p.Lys221Asn (AAA>AAT): c.663 A>T in exon 4 of the TGFB2 gene (NM_003238.3). A variant of unknown significance has been identified in the TGFB2 gene. The K221N variant has not been published as a mutation or been reported as a benign polymorphism to our knowledge. The K221N variant was not observed in approximately 6,500 individuals of European and African American ancestry in the NHLBI Exome Sequencing Project, indicating it is not a common benign variant in these populations. The K221N variant is a semi-conservative amino acid substitution, which may impact secondary protein structure as these residues differ in some properties. This substitution occurs at a position that is conserved across species. Furthermore, in silico analysis predicts this variant is probably damaging to the protein structure/function. Nevertheless, missense mutations in nearby residue have not been reported in association with LDS, indicating that this region of the protein may be tolerant of change. Therefore, based on the currently available information, it is unclear whether this variant is a pathogenic mutation or a rare benign variant. This variant was found in TAADV2-1.